The following is an entry in ClinVar:

ClinVar aggregate classification (germline): Uncertain significance. Review status: criteria provided, multiple submitters, no conflicts (2 of 4 stars). 2 submissions from 2 submitters: Uncertain significance (2). Last evaluated 2026-01-02.

Submissions (2):

Ambry Genetics
Classification: Uncertain significance. Last evaluated: 2026-01-02. Review status: criteria provided, single submitter. Criteria: Ambry Variant Classification Scheme 2023. Collection method: clinical testing. Allele origin: germline.
Comment: The c.1225_1226delCCinsTT variant, located in coding exon 8 of the ATRIP gene, results from an in-frame deletion of CC and insertion of TT at nucleotide positions 1225 to 1226. This results in the substitution of the proline residue for a leucine residue at codon 409, an amino acid with similar properties. This amino acid position is not well conserved in available vertebrate species. In addition, this alteration is predicted to be tolerated by in silico analysis. The evidence for this gene-disease relationship is limited; therefore, the clinical significance of this alteration is unclear.

Labcorp Genetics (formerly Invitae), Labcorp
Classification: Uncertain significance. Last evaluated: 2023-07-25. Review status: criteria provided, single submitter. Criteria: Invitae Variant Classification Sherloc (09022015). Collection method: clinical testing. Allele origin: germline.
Comment: In summary, the available evidence is currently insufficient to determine the role of this variant in disease. Therefore, it has been classified as a Variant of Uncertain Significance. An algorithm developed to predict the effect of missense changes on protein structure and function (PolyPhen-2) suggests that this variant is likely to be disruptive. This variant has not been reported in the literature in individuals affected with ATRIP-related conditions. Information on the frequency of this variant in the gnomAD database is not available, as this variant may be reported differently in the database. This sequence change replaces proline, which is neutral and non-polar, with leucine, which is neutral and non-polar, at codon 409 of the ATRIP protein (p.Pro409Leu).

NM_130384.3(ATRIP):c.1225_1226delinsTT (p.Pro409Leu)

Genes: ATRIP (ATR interacting protein; plus strand), ATRIP-TREX1 (ATRIP-TREX1 readthrough; plus strand). Cytogenetic location: 3p21.31.
Variant type: Indel.
Coding change: c.1225_1226delinsTT on transcript NM_130384.3 (MANE Select); coding-DNA positions 1225 to 1226, CC replaced by TT.
Protein change: p.Pro409Leu; replaces proline 409 with leucine.
Molecular consequence: missense variant. On other transcripts: non-coding transcript variant (1).
Genome position (GRCh38, 1-based): chr3:48,460,279-48,460,280, CC replaced by TT. VCF-style: chr3-48460279-CC-TT. GRCh37 (hg19) VCF-style: chr3-48501678-CC-TT.
Other names: c.1225_1226delCCinsTT (NM_130384.1); c.844_845delinsTT, p.Pro282Leu (NM_001271022.2); c.946_947delinsTT, p.Pro316Leu (NM_001271023.2); c.1225_1226delinsTT, p.Pro409Leu (NM_032166.4); short protein forms P409L, P316L, P282L.
Identifiers: ClinVar variation 2908352 (VCV002908352.4), dbSNP rs2529987527, ClinGen allele CA2739278935.
Genomic context (GRCh38, chr3:48,460,279, plus strand): 5'-GTTGCCCGGAATGAGTGCTCACGTGATGGAGACCCAGCAGAGGGAGGCAGAAGGGCCTTC[CC>TT]ACTCTGCCAGCTTCCTGGAGCCGTGCATTTCCTCCCCCTTGTACAGTTCTTCATCGGCTT-3'
Protein context (NP_569055.1, residues 399-419): DPAEGGRRAF[Pro409Leu]LCQLPGAVHF